The following is an entry in ClinVar:

NM_177438.3(DICER1):c.3404A>G (p.Gln1135Arg)

Gene: DICER1 (dicer 1, ribonuclease III; minus strand). Cytogenetic location: 14q32.13.
Variant type: single nucleotide variant.
Coding change: c.3404A>G on transcript NM_177438.3 (MANE Select); coding-DNA position 3404, A replaced by G.
Protein change: p.Gln1135Arg; replaces glutamine 1135 with arginine.
Molecular consequence: missense variant. On other transcripts: non-coding transcript variant (6).
Genome position (GRCh38, 1-based): chr14:95,103,992, T>C on the plus strand (A>G on the coding strand, the complement: DICER1 is on the minus strand). VCF-style: chr14-95103992-T-C. GRCh37 (hg19) VCF-style: chr14-95570329-T-C.
Other names: c.3404A>G, p.Gln1135Arg (NM_001195573.1, NM_001271282.3, NM_001291628.2 and 12 more transcripts); c.3122A>G, p.Gln1041Arg (NM_001395686.1); c.2999A>G, p.Gln1000Arg (NM_001395687.1, NM_001395688.1, NM_001395689.1 and 2 more transcripts); c.2837A>G, p.Gln946Arg (NM_001395691.1); c.1721A>G, p.Gln574Arg (NM_001395697.1); short protein forms Q1000R, Q1135R, Q574R, Q946R, Q1041R.
Identifiers: ClinVar variation 3272001 (VCV003272001.3).

ClinVar aggregate classification (germline): Uncertain significance. Review status: criteria provided, multiple submitters, no conflicts (2 of 4 stars). 2 submissions from 2 submitters: Uncertain significance (2). Last evaluated 2024-08-31.

Conditions:
Hereditary cancer-predisposing syndrome. Also called: Neoplastic Syndromes, Hereditary; Hereditary neoplastic syndrome; Tumor predisposition; Hereditary Cancer Syndrome. Identifiers: Orphanet 140162, MedGen C0027672, MeSH D009386, MONDO:0015356.
DICER1-related tumor predisposition. Also called: DICER1-related pleuropulmonary blastoma cancer predisposition syndrome; DICER1 syndrome. Identifiers: Orphanet 284343, MedGen C3839822, MONDO:0100216.

Submissions (2):

Labcorp Genetics (formerly Invitae), Labcorp
Classification: Uncertain significance for DICER1-related tumor predisposition. Last evaluated: 2024-08-31. Review status: criteria provided, single submitter. Criteria: Invitae Variant Classification Sherloc (09022015). Collection method: clinical testing. Allele origin: germline.
Comment: This sequence change replaces glutamine, which is neutral and polar, with arginine, which is basic and polar, at codon 1135 of the DICER1 protein (p.Gln1135Arg). This variant is not present in population databases (gnomAD no frequency). This variant has not been reported in the literature in individuals affected with DICER1-related conditions. Invitae Evidence Modeling of protein sequence and biophysical properties (such as structural, functional, and spatial information, amino acid conservation, physicochemical variation, residue mobility, and thermodynamic stability) indicates that this missense variant is not expected to disrupt DICER1 protein function with a negative predictive value of 80%. In summary, the available evidence is currently insufficient to determine the role of this variant in disease. Therefore, it has been classified as a Variant of Uncertain Significance.

Ambry Genetics
Classification: Uncertain significance for Hereditary cancer-predisposing syndrome. Last evaluated: 2024-04-13. Review status: criteria provided, single submitter. Criteria: Ambry Variant Classification Scheme 2023. Collection method: clinical testing. Allele origin: germline.
Comment: The p.Q1135R variant (also known as c.3404A>G), located in coding exon 20 of the DICER1 gene, results from an A to G substitution at nucleotide position 3404. The glutamine at codon 1135 is replaced by arginine, an amino acid with highly similar properties. This amino acid position is conserved. In addition, this alteration is predicted to be tolerated by in silico analysis. Based on the available evidence, the clinical significance of this variant remains unclear.